The following is an entry in ClinVar:

ClinVar aggregate classification (germline): Uncertain significance (1 of 4 stars; one submission).

Conditions:
Spondyloepimetaphyseal dysplasia, PAPSS2 type. Also called: SEMD, PAKISTANI TYPE; BRACHYOLMIA TYPE 4 WITH MILD EPIPHYSEAL AND METAPHYSEAL CHANGES; SPONDYLODYSPLASIA AND PREMATURE PUBARCHE. Identifiers: Orphanet 93282, MedGen C2748516, MONDO:0019666, OMIM 612847.

Allele frequency attached by ClinVar (database versions not stated): TOPMed below 0.00001; ExAC 0.00002; gnomAD exomes 0.00002 and 0.00005; ESP Exome Variant Server 0.00008.
gnomAD v4.1: 69 of 1,613,906 alleles (0.0043%); highest among the groups gnomAD compares: Non-Finnish European, 0.0058%; no homozygotes.

Submission:

Labcorp Genetics (formerly Invitae), Labcorp
Classification: Uncertain significance for Spondyloepimetaphyseal dysplasia, PAPSS2 type. Last evaluated: 2021-09-14. Review status: criteria provided, single submitter. Criteria: Invitae Variant Classification Sherloc (09022015). Collection method: clinical testing. Allele origin: germline.
Comment: Algorithms developed to predict the effect of missense changes on protein structure and function are either unavailable or do not agree on the potential impact of this missense change (SIFT: "Tolerated"; PolyPhen-2: "Probably Damaging"; Align-GVGD: "Class C15"). This sequence change replaces proline with serine at codon 596 of the PAPSS2 protein (p.Pro596Ser). The proline residue is highly conserved and there is a moderate physicochemical difference between proline and serine. This variant is present in population databases (rs373121598, ExAC 0.004%). This variant has not been reported in the literature in individuals affected with PAPSS2-related conditions. ClinVar contains an entry for this variant (Variation ID: 1062853). In summary, the available evidence is currently insufficient to determine the role of this variant in disease. Therefore, it has been classified as a Variant of Uncertain Significance.

NM_001015880.2(PAPSS2):c.1786C>T (p.Pro596Ser)

Gene: PAPSS2 (3'-phosphoadenosine 5'-phosphosulfate synthase 2; plus strand). Cytogenetic location: 10q23.31.
Variant type: single nucleotide variant.
Coding change: c.1786C>T on transcript NM_001015880.2 (MANE Select); coding-DNA position 1786, C replaced by T.
Protein change: p.Pro596Ser; replaces proline 596 with serine.
Molecular consequence: missense variant.
Genome position (GRCh38, 1-based): chr10:87,745,896, C>T. VCF-style: chr10-87745896-C-T. GRCh37 (hg19) VCF-style: chr10-89505653-C-T.
Other names: c.1771C>T, p.Pro591Ser (NM_004670.4); short protein forms P591S, P596S.
Identifiers: ClinVar variation 1062853 (VCV001062853.4), dbSNP rs373121598, ClinGen allele CA5589856.
Genomic context (GRCh38, chr10:87,745,896, plus strand): 5'-AATGAGTTTGACTTCATCTCAGGAACTCGAATGAGGAAGCTCGCCCGGGAAGGAGAGAAT[C>T]CCCCAGATGGCTTCATGGCCCCCAAAGCATGGAAGGTCCTGACAGATTATTACAGGTCCC-3'
Protein context (NP_001015880.1, residues 586-606): MRKLAREGEN[Pro596Ser]PDGFMAPKAW